The following is an entry in ClinVar:

NM_006164.5(NFE2L2):c.1514del (p.Gly505fs)

Gene: NFE2L2 (NFE2 like bZIP transcription factor 2; minus strand). Cytogenetic location: 2q31.2.
Variant type: Deletion.
Coding change: c.1514del on transcript NM_006164.5 (MANE Select); coding-DNA position 1514, one base deleted (G; older notation c.1514delG).
Protein change: p.Gly505fs; shifts the reading frame from glycine 505.
Molecular consequence: frameshift variant.
Genome position (GRCh38, 1-based): chr2:177,231,089, C deleted on the plus strand (G on the coding strand, the reverse complement: NFE2L2 is on the minus strand); the first of 4 consecutive C bases (chr2:177,231,089-177,231,092); deleting any one gives the same sequence. VCF-style (leftmost placement, unchanged base first): chr2-177231088-AC-A. GRCh37 (hg19) VCF-style: chr2-178095816-AC-A.
Other names: c.1466del, p.Gly489fs (NM_001145412.3, NM_001313900.1, NM_001313901.1); c.1445del, p.Gly482fs (NM_001145413.3); c.1424del, p.Gly475fs (NM_001313902.2); c.1295del, p.Gly432fs (NM_001313903.2); c.1214del, p.Gly405fs (NM_001313904.1); short protein forms G405fs, G482fs, G432fs, G475fs, G489fs, G505fs.
Identifiers: ClinVar variation 4767322 (VCV004767322.1).
Genomic context (GRCh38, chr2:177,231,088, plus strand): 5'-TAGTTCTACTATATTTTCCAGTTTTCTTTTTCTGCAATTCTGAGCAGCCACTTTATTCTT[AC>A]CCCTCCTACGTATATCCCGAATTAATGCAAGTTGAGCTTCATTGAACTGCTCTTTGGACA-3'

ClinVar aggregate classification (germline): Uncertain significance (1 of 4 stars; one submission).

Submission:

Labcorp Genetics (formerly Invitae), Labcorp
Classification: Uncertain significance. Last evaluated: 2025-06-08. Review status: criteria provided, single submitter. Criteria: Invitae Variant Classification Sherloc (09022015). Collection method: clinical testing. Allele origin: germline.
Comment: This sequence change creates a premature translational stop signal (p.Gly505Valfs*18) in the NFE2L2 gene. While this is not anticipated to result in nonsense mediated decay, it is expected to disrupt the last 101 amino acid(s) of the NFE2L2 protein. This variant is not present in population databases (gnomAD no frequency). This variant has not been reported in the literature in individuals affected with NFE2L2-related conditions. In summary, the available evidence is currently insufficient to determine the role of this variant in disease. Therefore, it has been classified as a Variant of Uncertain Significance.